The following is an entry in ClinVar:

ClinVar aggregate classification (germline): Conflicting classifications of pathogenicity. Review status: criteria provided, conflicting classifications (1 of 4 stars). 5 submissions from 5 submitters: Uncertain significance (2); Likely benign (2). 1 of the submissions does not count toward it. Last evaluated 2026-01-06.

Conditions:
CTNNA3-related disorder. Also called: CTNNA3-related condition.
Arrhythmogenic right ventricular dysplasia 13. Also called: ARRHYTHMOGENIC RIGHT VENTRICULAR CARDIOMYOPATHY 13; Arrhythmogenic right ventricular dysplasia, familial, 13. Identifiers: MedGen C3810138, MONDO:0000908, OMIM 615616.

Allele frequency attached by ClinVar (database versions not stated): gnomAD exomes 0.00030; ExAC 0.00032; ESP Exome Variant Server 0.00077; gnomAD 0.00109 and 0.00116; 1000 Genomes Project 0.00120; TOPMed 0.00132; 1000 Genomes Project 30x 0.00156.
gnomAD v4.1: 354 of 1,614,052 alleles (0.022%); highest among the groups gnomAD compares: African/African-American, 0.39%; 3 homozygotes.

Submissions (5):

Labcorp Genetics (formerly Invitae), Labcorp
Classification: Likely benign for Arrhythmogenic right ventricular dysplasia 13. Last evaluated: 2026-01-06. Review status: criteria provided, single submitter. Criteria: Invitae Variant Classification Sherloc (09022015). Collection method: clinical testing. Allele origin: germline.

GeneDx
Classification: Uncertain significance. Last evaluated: 2025-06-06. Review status: criteria provided, single submitter. Criteria: GeneDx Variant Classification Process June 2021. Collection method: clinical testing. Allele origin: germline. Affected: yes.
Comment: In silico analysis supports that this missense variant has a deleterious effect on protein structure/function; Has not been previously published as pathogenic or benign to our knowledge; Variants in candidate genes are classified as variants of uncertain significance in accordance with ACMG guidelines (PMID: 25741868)

Ambry Genetics
Classification: Uncertain significance. Last evaluated: 2025-01-21. Review status: criteria provided, single submitter. Criteria: Ambry Variant Classification Scheme 2023. Collection method: clinical testing. Allele origin: germline.
Comment: The p.R646C variant (also known as c.1936C>T), located in coding exon 13 of the CTNNA3 gene, results from a C to T substitution at nucleotide position 1936. The arginine at codon 646 is replaced by cysteine, an amino acid with highly dissimilar properties. This amino acid position is conserved. In addition, this alteration is predicted to be tolerated by in silico analysis. Since supporting evidence is limited at this time, the clinical significance of this alteration remains unclear.

Blueprint Genetics
Classification: Likely benign. Last evaluated: 2024-10-09. Review status: criteria provided, single submitter. Criteria: ACMG Guidelines, 2015. Collection method: clinical testing. Allele origin: germline.

PreventionGenetics, part of Exact Sciences
Classification: Likely benign for CTNNA3-related condition. Last evaluated: 2022-09-14. Review status: no assertion criteria provided. Collection method: clinical testing. Allele origin: germline. Not counted in ClinVar's aggregate classification.
Comment: This variant is classified as likely benign based on ACMG/AMP sequence variant interpretation guidelines (Richards et al. 2015 PMID: 25741868, with internal and published modifications).

NM_013266.4(CTNNA3):c.1936C>T (p.Arg646Cys)

Genes: CTNNA3 (catenin alpha 3; minus strand), CTNNA3-AS1 (CTNNA3 antisense RNA 1; plus strand). Cytogenetic location: 10q21.3.
Variant type: single nucleotide variant.
Coding change: c.1936C>T on transcript NM_013266.4 (MANE Select); coding-DNA position 1936, C replaced by T.
Protein change: p.Arg646Cys; replaces arginine 646 with cysteine.
Molecular consequence: missense variant.
Genome position (GRCh38, 1-based): chr10:66,103,198, G>A on the plus strand (C>T on the coding strand, the complement: CTNNA3 is on the minus strand). VCF-style: chr10-66103198-G-A. GRCh37 (hg19) VCF-style: chr10-67862956-G-A.
Other names: c.1936C>T, p.Arg646Cys (NM_001127384.3); c.1936C>T (NM_013266.2); short protein forms R646C.
Identifiers: ClinVar variation 695631 (VCV000695631.19), dbSNP rs111425421, ClinGen allele CA5519755.